The following is an entry in ClinVar:

ClinVar aggregate classification (germline): Uncertain significance (1 of 4 stars; one submission).

Submission:

GeneDx
Classification: Uncertain significance. Last evaluated: 2022-05-19. Review status: criteria provided, single submitter. Criteria: GeneDx Variant Classification Process June 2021. Collection method: clinical testing. Allele origin: germline. Affected: yes.
Comment: Not observed at significant frequency in large population cohorts (gnomAD); Frameshift variant predicted to result in protein truncation or nonsense mediated decay in a gene or region of a gene for which loss of function is not a well-established mechanism of disease; Has not been previously published as pathogenic or benign to our knowledge

NM_004172.5(SLC1A3):c.770_786del (p.Ile257fs)

Genes: SLC1A3 (solute carrier family 1 member 3; plus strand), SLC1A3-AS1 (SLC1A3 antisense RNA 1; minus strand). Cytogenetic location: 5p13.2.
Variant type: Deletion.
Coding change: c.770_786del on transcript NM_004172.5 (MANE Select); coding-DNA positions 770 to 786, 17 bases deleted (TTGGAAACATGAAGGAA).
Protein change: p.Ile257fs; shifts the reading frame from isoleucine 257.
Molecular consequence: frameshift variant. On other transcripts: intron variant (1).
Genome position (GRCh38, 1-based): chr5:36,677,094-36,677,110, TTGGAAACATGAAGGAA deleted; deleting any 17 consecutive bases within chr5:36,677,093-36,677,110 gives the same sequence; the c. name uses the placement nearest the transcript's 3' end. VCF-style (leftmost placement, unchanged base first): chr5-36677092-GATTGGAAACATGAAGGA-G. GRCh37 (hg19) VCF-style: chr5-36677194-GATTGGAAACATGAAGGA-G.
Other names: c.770_786del, p.Ile257fs (NM_001166695.3); c.632_648del, p.Ile211fs (NM_001289939.2); c.525-2533_525-2517del (NM_001289940.2); short protein forms I211fs, I257fs.
Identifiers: ClinVar variation 1800654 (VCV001800654.1), dbSNP rs2478145334, ClinGen allele CA2580073196.